The following is an entry in ClinVar:

ClinVar aggregate classification (germline): Uncertain significance. Review status: criteria provided, multiple submitters, no conflicts (2 of 4 stars). 2 submissions from 2 submitters: Uncertain significance (2). Last evaluated 2025-09-15.

Allele frequency attached by ClinVar (database versions not stated): gnomAD 0.00002; gnomAD exomes 0.00002; TOPMed 0.00003.
gnomAD v4.1: 17 of 1,613,628 alleles (0.0011%); highest among the groups gnomAD compares: Admixed American, 0.028%; no homozygotes.

Submissions (2):

Labcorp Genetics (formerly Invitae), Labcorp
Classification: Uncertain significance. Last evaluated: 2025-09-15. Review status: criteria provided, single submitter. Criteria: Invitae Variant Classification Sherloc (09022015). Collection method: clinical testing. Allele origin: germline.
Comment: This sequence change replaces alanine, which is neutral and non-polar, with threonine, which is neutral and polar, at codon 847 of the ADGRA3 protein (p.Ala847Thr). This variant is present in population databases (no rsID available, gnomAD 0.02%). This variant has not been reported in the literature in individuals affected with ADGRA3-related conditions. ClinVar contains an entry for this variant (Variation ID: 1019572). An algorithm developed to predict the effect of missense changes on protein structure and function (PolyPhen-2) suggests that this variant is likely to be disruptive. In summary, the available evidence is currently insufficient to determine the role of this variant in disease. Therefore, it has been classified as a Variant of Uncertain Significance.

Ambry Genetics
Classification: Uncertain significance. Last evaluated: 2025-09-10. Review status: criteria provided, single submitter. Criteria: Ambry Variant Classification Scheme 2023. Collection method: clinical testing. Allele origin: germline.

NM_145290.4(ADGRA3):c.2539G>A (p.Ala847Thr)

Gene: ADGRA3 (adhesion G protein-coupled receptor A3; minus strand). Cytogenetic location: 4p15.2.
Variant type: single nucleotide variant.
Coding change: c.2539G>A on transcript NM_145290.4 (MANE Select); coding-DNA position 2539, G replaced by A.
Protein change: p.Ala847Thr; replaces alanine 847 with threonine.
Molecular consequence: missense variant.
Genome position (GRCh38, 1-based): chr4:22,392,633, C>T on the plus strand (G>A on the coding strand, the complement: ADGRA3 is on the minus strand). VCF-style: chr4-22392633-C-T. GRCh37 (hg19) VCF-style: chr4-22394256-C-T.
Other names: c.2539G>A (NM_145290.2); short protein forms A847T.
Identifiers: ClinVar variation 1019572 (VCV001019572.9), dbSNP rs1227219051, ClinGen allele CA356476138.